The following is an entry in ClinVar:

ClinVar aggregate classification (germline): Likely benign. Review status: criteria provided, multiple submitters, no conflicts (2 of 4 stars). 2 submissions from 2 submitters: Likely benign (2). Last evaluated 2022-10-30.

Conditions:
Autosomal dominant nonsyndromic hearing loss 20. Identifiers: Orphanet 90635, MedGen C1858172, MONDO:0011480, OMIM 604717.
Baraitser-winter syndrome 2. Identifiers: Orphanet 2995, MedGen C3281235, MONDO:0013812, OMIM 614583.

Allele frequency attached by ClinVar (database versions not stated): gnomAD 0.00001; gnomAD exomes 0.00001 and 0.00002; TOPMed 0.00001; ExAC 0.00002.
gnomAD v4.1: 13 of 1,613,992 alleles (0.00081%); highest among the groups gnomAD compares: South Asian, 0.0099%; no homozygotes.

Submissions (2):

Labcorp Genetics (formerly Invitae), Labcorp
Classification: Likely benign for Baraitser-winter syndrome 2; Autosomal dominant nonsyndromic hearing loss 20. Last evaluated: 2022-10-30. Review status: criteria provided, single submitter. Criteria: Invitae Variant Classification Sherloc (09022015). Collection method: clinical testing. Allele origin: germline.

GeneDx
Classification: Likely benign. Last evaluated: 2018-05-11. Review status: criteria provided, single submitter. Criteria: GeneDx Variant Classification (06012015). Collection method: clinical testing. Allele origin: germline. Affected: yes.
Comment: This variant is considered likely benign or benign based on one or more of the following criteria: it is a conservative change, it occurs at a poorly conserved position in the protein, it is predicted to be benign by multiple in silico algorithms, and/or has population frequency not consistent with disease.

NM_001614.5(ACTG1):c.310C>T (p.Leu104=)

Gene: ACTG1 (actin gamma 1; minus strand). Cytogenetic location: 17q25.3.
Variant type: single nucleotide variant.
Coding change: c.310C>T on transcript NM_001614.5 (MANE Select); coding-DNA position 310, C replaced by T.
Protein change: p.Leu104=; no amino-acid change (leucine 104 retained).
Molecular consequence: synonymous variant. On other transcripts: non-coding transcript variant (1).
Genome position (GRCh38, 1-based): chr17:81,511,956, G>A on the plus strand (C>T on the coding strand, the complement: ACTG1 is on the minus strand). VCF-style: chr17-81511956-G-A. GRCh37 (hg19) VCF-style: chr17-79478982-G-A.
Other names: c.310C>T, p.Leu104= (NM_001199954.3).
Identifiers: ClinVar variation 561843 (VCV000561843.7), dbSNP rs782549602, ClinGen allele CA8836284.